The following is an entry in ClinVar:

NM_005585.5(SMAD6):c.680_684delinsTCGT (p.Gly227fs)

Gene: SMAD6 (SMAD family member 6; plus strand). Cytogenetic location: 15q22.31.
Variant type: Indel.
Coding change: c.680_684delinsTCGT on transcript NM_005585.5 (MANE Select); coding-DNA positions 680 to 684, GCCGC replaced by TCGT.
Protein change: p.Gly227fs; shifts the reading frame from glycine 227.
Molecular consequence: frameshift variant. On other transcripts: non-coding transcript variant (1).
Genome position (GRCh38, 1-based): chr15:66,703,938-66,703,942, GCCGC replaced by TCGT. VCF-style: chr15-66703938-GCCGC-TCGT. GRCh37 (hg19) VCF-style: chr15-66996276-GCCGC-TCGT.
Other names: short protein forms G227fs.
Identifiers: ClinVar variation 964748 (VCV000964748.5), dbSNP rs1893046284, ClinGen allele CA1139664037.
Genomic context (GRCh38, chr15:66,703,938, plus strand): 5'-TGGTGCCGCGCGCCGACCTCCGCCTGGGCGGCCAGCCCGCGCCGCCGCAGCTGCTGCTCG[GCCGC>TCGT]CTCTTTCGCTGGCCCGACCTGCAGCACGCCGTGGAGCTGAAGCCCCTGTGCGGCTGCCAC-3'

ClinVar aggregate classification (germline): Uncertain significance (1 of 4 stars; one submission).

Conditions:
Aortic valve disease 2 (AOVD2). Identifiers: MedGen C3542024, MONDO:0013902, OMIM 614823.

Submission:

Labcorp Genetics (formerly Invitae), Labcorp
Classification: Uncertain significance for Aortic valve disease 2. Last evaluated: 2019-02-14. Review status: criteria provided, single submitter. Criteria: Invitae Variant Classification Sherloc (09022015). Collection method: clinical testing. Allele origin: germline.
Comment: In summary, the available evidence is currently insufficient to determine the role of this variant in disease. Therefore, it has been classified as a Variant of Uncertain Significance. The current clinical and genetic evidence is not sufficient to establish whether loss-of-function variants in SMAD6 cause disease. This variant has not been reported in the literature in individuals with SMAD6-related conditions. The frequency data for this variant in the population databases is considered unreliable, as metrics indicate insufficient coverage at this position in the ExAC database. This sequence change creates a premature translational stop signal (p.Gly227Valfs*15) in the SMAD6 gene. It is expected to result in an absent or disrupted protein product.